The following is an entry in ClinVar:

NM_001040108.2(MLH3):c.1789A>G (p.Ser597Gly)

Gene: MLH3 (mutL homolog 3; minus strand). Cytogenetic location: 14q24.3.
Variant type: single nucleotide variant.
Coding change: c.1789A>G on transcript NM_001040108.2 (MANE Select); coding-DNA position 1789, A replaced by G.
Protein change: p.Ser597Gly; replaces serine 597 with glycine.
Molecular consequence: missense variant.
Genome position (GRCh38, 1-based): chr14:75,047,867, T>C on the plus strand (A>G on the coding strand, the complement: MLH3 is on the minus strand). VCF-style: chr14-75047867-T-C. GRCh37 (hg19) VCF-style: chr14-75514570-T-C.
Other names: c.1789A>G (NM_001040108.1); c.1789A>G, p.Ser597Gly (NM_014381.3); short protein forms S597G.
Identifiers: ClinVar variation 1410500 (VCV001410500.9), dbSNP rs1237005593, ClinGen allele CA390444282.

ClinVar aggregate classification (germline): Uncertain significance. Review status: criteria provided, multiple submitters, no conflicts (2 of 4 stars). 2 submissions from 2 submitters: Uncertain significance (2). Last evaluated 2023-04-28.

Conditions:
Colorectal cancer, hereditary nonpolyposis, type 7. Identifiers: Orphanet 144, MedGen C1858380, MONDO:0013725, OMIM 614385.

Allele frequency attached by ClinVar (database versions not stated): gnomAD exomes below 0.00001 and 0.00001.
gnomAD v4.1: 3 of 1,613,278 alleles (0.00019%); highest among the groups gnomAD compares: South Asian, 0.0033%; no homozygotes.

Submissions (2):

Ambry Genetics
Classification: Uncertain significance. Last evaluated: 2023-04-28. Review status: criteria provided, single submitter. Criteria: Ambry Variant Classification Scheme 2023. Collection method: clinical testing. Allele origin: germline.
Comment: The p.S597G variant (also known as c.1789A>G), located in coding exon 1 of the MLH3 gene, results from an A to G substitution at nucleotide position 1789. The serine at codon 597 is replaced by glycine, an amino acid with similar properties. This amino acid position is conserved. In addition, this alteration is predicted to be tolerated by in silico analysis. Since supporting evidence is limited at this time, the clinical significance of this alteration remains unclear.

Labcorp Genetics (formerly Invitae), Labcorp
Classification: Uncertain significance for Colorectal cancer, hereditary nonpolyposis, type 7. Last evaluated: 2020-12-09. Review status: criteria provided, single submitter. Criteria: Invitae Variant Classification Sherloc (09022015). Collection method: clinical testing. Allele origin: germline.
Comment: This sequence change replaces serine with glycine at codon 597 of the MLH3 protein (p.Ser597Gly). The serine residue is moderately conserved and there is a small physicochemical difference between serine and glycine. This variant is not present in population databases (ExAC no frequency). This variant has not been reported in the literature in individuals with MLH3-related conditions. Algorithms developed to predict the effect of missense changes on protein structure and function (SIFT, PolyPhen-2, Align-GVGD) all suggest that this variant is likely to be tolerated, but these predictions have not been confirmed by published functional studies and their clinical significance is uncertain. In summary, the available evidence is currently insufficient to determine the role of this variant in disease. Therefore, it has been classified as a Variant of Uncertain Significance.